The following is an entry in ClinVar:

ClinVar aggregate classification (germline): Uncertain significance. Review status: criteria provided, multiple submitters, no conflicts (2 of 4 stars). 2 submissions from 2 submitters: Uncertain significance (2). Last evaluated 2024-04-26.

Conditions:
Hereditary cancer-predisposing syndrome. Also called: Neoplastic Syndromes, Hereditary; Tumor predisposition; Hereditary neoplastic syndrome; Hereditary Cancer Syndrome. Identifiers: Orphanet 140162, MedGen C0027672, MeSH D009386, MONDO:0015356.
Familial cancer of breast. Also called: BREAST CANCER, FAMILIAL; hereditary breast carcinoma; Hereditary breast cancer. Identifiers: Orphanet 227535, MedGen C0346153, MONDO:0016419, OMIM 114480. Disease mechanism: loss of function.

Submissions (2):

Ambry Genetics
Classification: Uncertain significance for Hereditary cancer-predisposing syndrome. Last evaluated: 2024-04-26. Review status: criteria provided, single submitter. Criteria: Ambry Variant Classification Scheme 2023. Collection method: clinical testing. Allele origin: germline.
Comment: The p.A890P variant (also known as c.2668G>C), located in coding exon 7 of the PALB2 gene, results from a G to C substitution at nucleotide position 2668. The alanine at codon 890 is replaced by proline, an amino acid with highly similar properties. This amino acid position is highly conserved in available vertebrate species. In addition, the in silico prediction for this alteration is inconclusive. Since supporting evidence is limited at this time, the clinical significance of this alteration remains unclear.

Labcorp Genetics (formerly Invitae), Labcorp
Classification: Uncertain significance for Familial cancer of breast. Last evaluated: 2023-07-25. Review status: criteria provided, single submitter. Criteria: Invitae Variant Classification Sherloc (09022015). Collection method: clinical testing. Allele origin: germline.
Comment: In summary, the available evidence is currently insufficient to determine the role of this variant in disease. Therefore, it has been classified as a Variant of Uncertain Significance. Advanced modeling of protein sequence and biophysical properties (such as structural, functional, and spatial information, amino acid conservation, physicochemical variation, residue mobility, and thermodynamic stability) performed at Invitae indicates that this missense variant is expected to disrupt PALB2 protein function. ClinVar contains an entry for this variant (Variation ID: 581155). This variant has not been reported in the literature in individuals affected with PALB2-related conditions. This variant is not present in population databases (gnomAD no frequency). This sequence change replaces alanine, which is neutral and non-polar, with proline, which is neutral and non-polar, at codon 890 of the PALB2 protein (p.Ala890Pro).

NM_024675.4(PALB2):c.2668G>C (p.Ala890Pro)

Gene: PALB2 (partner and localizer of BRCA2; minus strand). Cytogenetic location: 16p12.2.
Variant type: single nucleotide variant.
Coding change: c.2668G>C on transcript NM_024675.4 (MANE Select); coding-DNA position 2668, G replaced by C.
Protein change: p.Ala890Pro; replaces alanine 890 with proline.
Molecular consequence: missense variant.
Genome position (GRCh38, 1-based): chr16:23,626,316, C>G on the plus strand (G>C on the coding strand, the complement: PALB2 is on the minus strand). VCF-style: chr16-23626316-C-G. GRCh37 (hg19) VCF-style: chr16-23637637-C-G.
Other names: short protein forms A890P.
Identifiers: ClinVar variation 581155 (VCV000581155.12), dbSNP rs1555459971, ClinGen allele CA395122059.